The following is an entry in ClinVar:

ClinVar aggregate classification (germline): Pathogenic. Review status: criteria provided, single submitter (1 of 4 stars). 2 submissions from 2 submitters: Pathogenic (1). 1 of the submissions does not count toward it. Last evaluated 2021-09-13.

Conditions:
CUL4B-related X-linked intellectual disability.
X-linked intellectual disability Cabezas type (MRXSC). Also called: CABEZAS SYNDROME; Intellectual developmental disorder, X-linked syndromic, Cabezas type; MENTAL RETARDATION, X-LINKED, SYNDROMIC 15. Identifiers: Orphanet 85289, Orphanet 85293, MedGen C1845861, MONDO:0010306, OMIM 300354.

Submissions (2):

Illumina Laboratory Services, Illumina
Classification: Pathogenic for CUL4B-related X-linked intellectual disability. Last evaluated: 2021-09-13. Review status: criteria provided, single submitter. Criteria: ICSLVariantClassificationCriteria RUGD 01 April 2020. Collection method: clinical testing. Allele origin: unknown.
Comment: The CUL4B c.1906+1G>T variant occurs in a canonical splice site (donor) and is therefore predicted to disrupt the normal gene product. This variant has been reported in a hemizygous state in two brothers affected with intellectual disability; the mother and two similarly affected maternal half-brothers were not tested (Vulto-van Silfhout et al. 2015). In addition, an alternative nucleotide change at the same position, c.1906+1G>A, has been reported in a de novo hemizygous state in an individual with X-linked syndromic intellectual disability of Cabezas type (Rossi et al. 2017). The c.1906+1G>T variant is not found in version 2.1.1 or version 3.1.1 of the Genome Aggregation Database despite its location in a region of good sequencing coverage, which suggests that the variant is rare. RT-PCR analysis showed the c.1906+1G>T variant abolished the splice donor site of exon 15, resulting in exon 15 skipping and deletion of 37 amino acid residues within the cullin domain (Vulto-van Silfhout et al. 2015). Based on the available evidence, the c.1906+1G>T variant is classified as pathogenic for CUL4B-related X-linked intellectual disability.

OMIM
Classification: Pathogenic for INTELLECTUAL DEVELOPMENTAL DISORDER, X-LINKED, SYNDROMIC, CABEZAS TYPE. Last evaluated: 2015-01-01. Review status: no assertion criteria provided. Collection method: literature only. Allele origin: germline. Not counted in ClinVar's aggregate classification.

Literature cited by the submitters: PubMed 25385192 (cited by Illumina Laboratory Services, Illumina and OMIM); PubMed 28330790 (cited by Illumina Laboratory Services, Illumina).

NM_001079872.2(CUL4B):c.1852+1G>T

Gene: CUL4B (cullin 4B; minus strand). Cytogenetic location: Xq24.
Variant type: single nucleotide variant.
Coding change: c.1852+1G>T on transcript NM_001079872.2 (MANE Select); the canonical splice donor site of the intron after coding-DNA position 1852, G replaced by T.
Molecular consequence: splice donor variant.
Genome position (GRCh38, 1-based): chrX:120,538,659, C>A on the plus strand (G>T on the coding strand, the complement: CUL4B is on the minus strand). VCF-style: chrX-120538659-C-A. GRCh37 (hg19) VCF-style: chrX-119672514-C-A.
Other names: IVS15DS, G-T, +1; c.1906+1G>T (NM_003588.4); c.1867+1G>T (NM_001330624.2); c.1318+1G>T (NM_001369145.1).
Identifiers: ClinVar variation 208796 (VCV000208796.6), dbSNP rs797044862, ClinGen allele CA358351.
Genomic context (GRCh38, chrX:120,538,659, plus strand): 5'-AAAAAGCTAACATTCTCCTTCAGGAATCAAAGAAAAGGAACAGAAAGAATGAGAAACCTA[C>A]CATGTTTAAGTTTGGACAGCATTGATTTTTCAGCATCTACAGATGCACTCTTTCCGACTA-3'